The following is an entry in ClinVar:

NM_030665.4(RAI1):c.3731GCA[5] (p.Ser1249del)

Gene: RAI1 (retinoic acid induced 1; plus strand). Cytogenetic location: 17p11.2.
Variant type: Microsatellite.
Coding change: c.3731GCA[5] on transcript NM_030665.4 (MANE Select); five copies in a row of the 3-base unit GCA starting at c.3731; the reference has six copies in a row; one copy, 3 bases deleted.
Protein change: p.Ser1249del; deletes serine 1249.
Molecular consequence: inframe deletion.
Genome position (GRCh38, 1-based): chr17:17,796,694-17,796,696, GCA deleted; deleting any 3 consecutive bases within chr17:17,796,679-17,796,696 gives the same sequence; the position shown is the placement nearest the transcript's 3' end. VCF-style (leftmost placement, unchanged base first): chr17-17796678-CGCA-C. GRCh37 (hg19) VCF-style: chr17-17699992-CGCA-C.
Other names: c.3746_3748delGCA (NM_030665.3); short protein forms S1249del.
Identifiers: ClinVar variation 2910996 (VCV002910996.5), dbSNP rs760919336, ClinGen allele CA8418803.

ClinVar aggregate classification (germline): Likely benign. Review status: criteria provided, single submitter (1 of 4 stars). 2 submissions from 2 submitters: Likely benign (1). 1 of the submissions does not count toward it. Last evaluated 2025-11-25.

Conditions:
RAI1-related disorder. Also called: RAI1-related condition.

Submissions (2):

Labcorp Genetics (formerly Invitae), Labcorp
Classification: Likely benign. Last evaluated: 2025-11-25. Review status: criteria provided, single submitter. Criteria: Invitae Variant Classification Sherloc (09022015). Collection method: clinical testing. Allele origin: germline.

PreventionGenetics, part of Exact Sciences
Classification: Uncertain significance for RAI1-related condition. Last evaluated: 2024-01-29. Review status: no assertion criteria provided. Collection method: clinical testing. Allele origin: germline. Not counted in ClinVar's aggregate classification.
Comment: The RAI1 c.3746_3748delGCA variant is predicted to result in an in-frame deletion (p.Ser1249del). To our knowledge, this variant has not been reported in the literature. This variant is reported in 0.021% of alleles in individuals of Ashkenazi Jewish descent in gnomAD. Although we suspect that this variant may be benign, at this time, the clinical significance of this variant is uncertain due to the absence of conclusive functional and genetic evidence.